The following is an entry in ClinVar:

NC_000007.13:g.(?_107300698)_(107303849_?)del

Gene: SLC26A4 (solute carrier family 26 member 4; plus strand). Cytogenetic location: 7q22.3.
Variant type: Deletion.
Identifiers: ClinVar variation 3245852 (VCV003245852.1).

ClinVar aggregate classification (germline): Pathogenic (1 of 4 stars; one submission).

Submission:

Labcorp Genetics (formerly Invitae), Labcorp
Classification: Pathogenic. Last evaluated: 2019-01-20. Review status: criteria provided, single submitter. Criteria: Invitae Variant Classification Sherloc (09022015). Collection method: clinical testing. Allele origin: unknown.
Comment: This variant is a deletion of the genomic region encompassing exons 1-2 and part of exon 3 (c.-606_274del) of the SLC26A4 gene. It is expected to disrupt RNA splicing and likely results in an absent or disrupted protein product. For these reasons, this variant has been classified as Pathogenic. Loss-of-function variants in SLC26A4 are known to be pathogenic (PMID: 16283880, 25394566, 26252218, 26445815). This variant disrupts the p.Ser28 amino acid residue in SLC26A4. Other variant(s) that disrupt this residue have been observed in individuals with SLC26A4-related conditions (PMID: 15679828, 16570074, 24224479, 11919333, 29739340), suggesting that it is a clinically significant residue. As a result, variants that disrupt this residue are likely to be causative of disease. This variant has not been reported in the literature in individuals with SLC26A4-related conditions.

Literature cited by the submitters: PubMed 16283880; PubMed 25394566; PubMed 26252218; PubMed 26445815; PubMed 15679828; PubMed 16570074; PubMed 24224479; PubMed 11919333; PubMed 29739340.